The following is an entry in ClinVar:

ClinVar aggregate classification (germline): Likely benign (0 of 4 stars; one submission).

Conditions:
EZR-related disorder. Also called: EZR-related condition.

Allele frequency attached by ClinVar (database versions not stated): gnomAD 0.00004; gnomAD exomes 0.00006; TOPMed 0.00009; ExAC 0.00013.
gnomAD v4.1: 91 of 1,609,454 alleles (0.0057%); highest among the groups gnomAD compares: Middle Eastern, 0.016%; no homozygotes.

Submission:

PreventionGenetics, part of Exact Sciences
Classification: Likely benign for EZR-related condition. Last evaluated: 2019-02-19. Review status: no assertion criteria provided. Collection method: clinical testing. Allele origin: germline.
Comment: This variant is classified as likely benign based on ACMG/AMP sequence variant interpretation guidelines (Richards et al. 2015 PMID: 25741868, with internal and published modifications).

NM_001111077.2(EZR):c.1302G>A (p.Ala434=)

Gene: EZR (ezrin; minus strand). Cytogenetic location: 6q25.3.
Variant type: single nucleotide variant.
Coding change: c.1302G>A on transcript NM_001111077.2 (MANE Select); coding-DNA position 1302, G replaced by A.
Protein change: p.Ala434=; no amino-acid change (alanine 434 retained).
Molecular consequence: synonymous variant.
Genome position (GRCh38, 1-based): chr6:158,769,368, C>T on the plus strand (G>A on the coding strand, the complement: EZR is on the minus strand). VCF-style: chr6-158769368-C-T. GRCh37 (hg19) VCF-style: chr6-159190400-C-T.
Other names: c.1302G>A, p.Ala434= (NM_003379.5).
Identifiers: ClinVar variation 3058021 (VCV003058021.2), dbSNP rs201052913, ClinGen allele CA4075026.